The following is an entry in ClinVar:

ClinVar aggregate classification (germline): Likely benign (0 of 4 stars; one submission).

Conditions:
ARID5B-related disorder. Also called: ARID5B-related condition.

Allele frequency attached by ClinVar (database versions not stated): gnomAD exomes 0.00001; TOPMed 0.00001.
gnomAD v4.1: 9 of 1,613,910 alleles (0.00056%); highest among the groups gnomAD compares: African/African-American, 0.0013%; no homozygotes.

Submission:

PreventionGenetics, part of Exact Sciences
Classification: Likely benign for ARID5B-related condition. Last evaluated: 2019-06-21. Review status: no assertion criteria provided. Collection method: clinical testing. Allele origin: germline.
Comment: This variant is classified as likely benign based on ACMG/AMP sequence variant interpretation guidelines (Richards et al. 2015 PMID: 25741868, with internal and published modifications).

NM_032199.3(ARID5B):c.1599G>A (p.Ala533=)

Gene: ARID5B (AT-rich interaction domain 5B; plus strand). Cytogenetic location: 10q21.2.
Variant type: single nucleotide variant.
Coding change: c.1599G>A on transcript NM_032199.3 (MANE Select); coding-DNA position 1599, G replaced by A.
Protein change: p.Ala533=; no amino-acid change (alanine 533 retained).
Molecular consequence: synonymous variant.
Genome position (GRCh38, 1-based): chr10:62,091,062, G>A. VCF-style: chr10-62091062-G-A. GRCh37 (hg19) VCF-style: chr10-63850821-G-A.
Other names: c.870G>A, p.Ala290= (NM_001244638.2).
Identifiers: ClinVar variation 3042667 (VCV003042667.2), dbSNP rs1478787856, ClinGen allele CA469994691.